The following is an entry in ClinVar:

ClinVar aggregate classification (germline): Pathogenic. Review status: criteria provided, single submitter (1 of 4 stars). 2 submissions from 2 submitters: Pathogenic (1). 1 of the submissions does not count toward it. Last evaluated 2025-12-24.

Conditions:
Juvenile polyposis syndrome (JPS). Identifiers: Orphanet 2929, MedGen C0345893, MONDO:0017380, OMIM 174900.

Submissions (2):

Labcorp Genetics (formerly Invitae), Labcorp
Classification: Pathogenic for Juvenile polyposis syndrome. Last evaluated: 2025-12-24. Review status: criteria provided, single submitter. Criteria: Invitae Variant Classification Sherloc (09022015). Collection method: clinical testing. Allele origin: germline.
Comment: This sequence change creates a premature translational stop signal (p.Ser501*) in the BMPR1A gene. While this is not anticipated to result in nonsense mediated decay, it is expected to disrupt the last 32 amino acid(s) of the BMPR1A protein. This variant is not present in population databases (gnomAD no frequency). This variant has not been reported in the literature in individuals affected with BMPR1A-related conditions. ClinVar contains an entry for this variant (Variation ID: 548751). This variant disrupts a region of the BMPR1A protein in which other variant(s) (p.Trp504*) have been determined to be pathogenic (internal data). This suggests that this is a clinically significant region of the protein, and that variants that disrupt it are likely to be disease-causing. For these reasons, this variant has been classified as Pathogenic.

Counsyl
Classification: Uncertain significance for Juvenile polyposis syndrome. Last evaluated: 2017-06-09. Review status: no assertion criteria provided. Collection method: clinical testing. Allele origin: unknown. Not counted in ClinVar's aggregate classification.

NM_004329.3(BMPR1A):c.1502C>G (p.Ser501Ter)

Gene: BMPR1A (bone morphogenetic protein receptor type 1A; plus strand). Cytogenetic location: 10q23.2.
Variant type: single nucleotide variant.
Coding change: c.1502C>G on transcript NM_004329.3 (MANE Select); coding-DNA position 1502, C replaced by G.
Protein change: p.Ser501Ter; replaces serine 501 with a stop codon.
Molecular consequence: nonsense.
Genome position (GRCh38, 1-based): chr10:86,923,622, C>G. VCF-style: chr10-86923622-C-G. GRCh37 (hg19) VCF-style: chr10-88683379-C-G.
Other names: short protein forms S501*.
Identifiers: ClinVar variation 548751 (VCV000548751.3), dbSNP rs1554891649, ClinGen allele CA377463757.